The following is an entry in ClinVar:

NM_000275.3(OCA2):c.2177T>C (p.Val726Ala)

Gene: OCA2 (OCA2 melanosomal transmembrane protein; minus strand). Cytogenetic location: 15q13.1.
Variant type: single nucleotide variant.
Coding change: c.2177T>C on transcript NM_000275.3 (MANE Select); coding-DNA position 2177, T replaced by C.
Protein change: p.Val726Ala; replaces valine 726 with alanine.
Molecular consequence: missense variant.
Genome position (GRCh38, 1-based): chr15:27,871,221, A>G on the plus strand (T>C on the coding strand, the complement: OCA2 is on the minus strand). VCF-style: chr15-27871221-A-G. GRCh37 (hg19) VCF-style: chr15-28116367-A-G.
Other names: c.2105T>C, p.Val702Ala (NM_001300984.2); short protein forms V726A, V702A.
Identifiers: ClinVar variation 2078937 (VCV002078937.4), dbSNP rs2505554720, ClinGen allele CA391363453.

ClinVar aggregate classification (germline): Uncertain significance (1 of 4 stars; one submission).

Submission:

Labcorp Genetics (formerly Invitae), Labcorp
Classification: Uncertain significance. Last evaluated: 2022-01-11. Review status: criteria provided, single submitter. Criteria: Invitae Variant Classification Sherloc (09022015). Collection method: clinical testing. Allele origin: germline.
Comment: This sequence change replaces valine, which is neutral and non-polar, with alanine, which is neutral and non-polar, at codon 726 of the OCA2 protein (p.Val726Ala). This variant is not present in population databases (gnomAD no frequency). This variant has not been reported in the literature in individuals affected with OCA2-related conditions. Advanced modeling of protein sequence and biophysical properties (such as structural, functional, and spatial information, amino acid conservation, physicochemical variation, residue mobility, and thermodynamic stability) performed at Invitae indicates that this missense variant is not expected to disrupt OCA2 protein function. In summary, the available evidence is currently insufficient to determine the role of this variant in disease. Therefore, it has been classified as a Variant of Uncertain Significance.